The following is an entry in ClinVar:

NM_001283009.2(RTEL1):c.1958A>G (p.Asp653Gly)

Genes: RTEL1-TNFRSF6B (RTEL1-TNFRSF6B readthrough (NMD candidate); plus strand), RTEL1 (regulator of telomere elongation helicase 1; plus strand). Cytogenetic location: 20q13.33.
Variant type: single nucleotide variant.
Coding change: c.1958A>G on transcript NM_001283009.2 (MANE Select); coding-DNA position 1958, A replaced by G.
Protein change: p.Asp653Gly; replaces aspartic acid 653 with glycine.
Molecular consequence: missense variant. On other transcripts: non-coding transcript variant (1).
Genome position (GRCh38, 1-based): chr20:63,689,581, A>G. VCF-style: chr20-63689581-A-G. GRCh37 (hg19) VCF-style: chr20-62320934-A-G.
Other names: c.1289A>G, p.Asp430Gly (NM_001283010.1); c.1958A>G, p.Asp653Gly (NM_016434.4); c.2030A>G, p.Asp677Gly (NM_032957.5); short protein forms D430G, D653G, D677G.
Identifiers: ClinVar variation 2631080 (VCV002631080.1), dbSNP rs2090676573, ClinGen allele CA409678821.
Genomic context (GRCh38, chr20:63,689,581, plus strand): 5'-TCTCAGACACGAATGGCCGTGGTGTGATTGTCACGGGCCTCCCGTACCCCCCACGCATGG[A>G]CCCCCGGGTTGTCCTCAAGATGCAGTTCCTGGATGAGATGAAGGGCCAGGGTGGGGCTGG-3'
Protein context (NP_001269938.1, residues 643-663): VTGLPYPPRM[Asp653Gly]PRVVLKMQFL

ClinVar aggregate classification (germline): Uncertain significance (1 of 4 stars; one submission).

Conditions:
RTEL1-related disorder. Also called: RTEL1-related condition; RTEL1-related disorders.

Allele frequency attached by ClinVar (database versions not stated): TOPMed below 0.00001.

Submission:

PreventionGenetics, part of Exact Sciences
Classification: Uncertain significance for RTEL1-related condition. Last evaluated: 2023-09-12. Review status: criteria provided, single submitter. Criteria: ACMG Guidelines, 2015. Collection method: clinical testing. Allele origin: germline.
Comment: The RTEL1 c.2030A>G variant is predicted to result in the amino acid substitution p.Asp677Gly. To our knowledge, this variant has not been reported in the literature or in a large population database, indicating this variant is rare. At this time, the clinical significance of this variant is uncertain due to the absence of conclusive functional and genetic evidence.